The following is an entry in ClinVar:

NM_000217.3(KCNA1):c.380T>C (p.Met127Thr)

Gene: KCNA1 (potassium voltage-gated channel subfamily A member 1; plus strand). Cytogenetic location: 12p13.32.
Variant type: single nucleotide variant.
Coding change: c.380T>C on transcript NM_000217.3 (MANE Select); coding-DNA position 380, T replaced by C.
Protein change: p.Met127Thr; replaces methionine 127 with threonine.
Molecular consequence: missense variant.
Genome position (GRCh38, 1-based): chr12:4,911,758, T>C. VCF-style: chr12-4911758-T-C. GRCh37 (hg19) VCF-style: chr12-5020924-T-C.
Other names: short protein forms M127T.
Identifiers: ClinVar variation 1417121 (VCV001417121.8), dbSNP rs2137673060, ClinGen allele CA383454427.

ClinVar aggregate classification (germline): Uncertain significance (1 of 4 stars; one submission).

Conditions:
Episodic ataxia type 1 (EA1). Also called: MYOKYMIA WITH PERIODIC ATAXIA; PAROXYSMAL ATAXIA WITH NEUROMYOTONIA, HEREDITARY; ATAXIA, EPISODIC, WITH MYOKYMIA; Episodic ataxia/myokymia syndrome. Identifiers: Orphanet 37612, Orphanet 972, MedGen C1719788, MONDO:0008047, OMIM 160120.

Submission:

Labcorp Genetics (formerly Invitae), Labcorp
Classification: Uncertain significance for Episodic ataxia type 1. Last evaluated: 2021-02-19. Review status: criteria provided, single submitter. Criteria: Invitae Variant Classification Sherloc (09022015). Collection method: clinical testing. Allele origin: germline.
Comment: This sequence change replaces methionine with threonine at codon 127 of the KCNA1 protein (p.Met127Thr). The methionine residue is highly conserved and there is a moderate physicochemical difference between methionine and threonine. This variant is not present in population databases (ExAC no frequency). This variant has not been reported in the literature in individuals with KCNA1-related conditions. Algorithms developed to predict the effect of missense changes on protein structure and function (SIFT, PolyPhen-2, Align-GVGD) all suggest that this variant is likely to be disruptive, but these predictions have not been confirmed by published functional studies and their clinical significance is uncertain. In summary, the available evidence is currently insufficient to determine the role of this variant in disease. Therefore, it has been classified as a Variant of Uncertain Significance.